The following is an entry in ClinVar:

ClinVar aggregate classification (germline): Uncertain significance (1 of 4 stars; one submission).

gnomAD v4.1: 4 of 1,614,192 alleles (0.00025%); highest among the groups gnomAD compares: East Asian, 0.0045%; no homozygotes.

Submission:

Labcorp Genetics (formerly Invitae), Labcorp
Classification: Uncertain significance. Last evaluated: 2022-09-01. Review status: criteria provided, single submitter. Criteria: Invitae Variant Classification Sherloc (09022015). Collection method: clinical testing. Allele origin: germline.
Comment: In summary, the available evidence is currently insufficient to determine the role of this variant in disease. Therefore, it has been classified as a Variant of Uncertain Significance. Algorithms developed to predict the effect of missense changes on protein structure and function are either unavailable or do not agree on the potential impact of this missense change (SIFT: "Not Available"; PolyPhen-2: "Benign"; Align-GVGD: "Not Available"). This variant has not been reported in the literature in individuals affected with UNC80-related conditions. This variant is present in population databases (no rsID available, gnomAD 0.01%). This sequence change replaces glycine, which is neutral and non-polar, with valine, which is neutral and non-polar, at codon 156 of the UNC80 protein (p.Gly156Val).

NM_001371986.1(UNC80):c.467G>T (p.Gly156Val)

Gene: UNC80 (unc-80 subunit of NALCN channel complex; plus strand). Cytogenetic location: 2q34.
Variant type: single nucleotide variant.
Coding change: c.467G>T on transcript NM_001371986.1 (MANE Select); coding-DNA position 467, G replaced by T.
Protein change: p.Gly156Val; replaces glycine 156 with valine.
Molecular consequence: missense variant.
Genome position (GRCh38, 1-based): chr2:209,777,426, G>T. VCF-style: chr2-209777426-G-T. GRCh37 (hg19) VCF-style: chr2-210642150-G-T.
Other names: c.467G>T, p.Gly156Val (NM_032504.2, NM_182587.4); short protein forms G156V.
Identifiers: ClinVar variation 2048373 (VCV002048373.4), dbSNP rs1472671694, ClinGen allele CA350131268.